The following is an entry in ClinVar:

NM_003737.4(DCHS1):c.2398C>T (p.Pro800Ser)

Gene: DCHS1 (dachsous cadherin-related 1; minus strand). Cytogenetic location: 11p15.4.
Variant type: single nucleotide variant.
Coding change: c.2398C>T on transcript NM_003737.4 (MANE Select); coding-DNA position 2398, C replaced by T.
Protein change: p.Pro800Ser; replaces proline 800 with serine.
Molecular consequence: missense variant.
Genome position (GRCh38, 1-based): chr11:6,633,469, G>A on the plus strand (C>T on the coding strand, the complement: DCHS1 is on the minus strand). VCF-style: chr11-6633469-G-A. GRCh37 (hg19) VCF-style: chr11-6654700-G-A.
Other names: short protein forms P800S.
Identifiers: ClinVar variation 3393656 (VCV003393656.1).
Genomic context (GRCh38, chr11:6,633,469, plus strand): 5'-TACCTGGTGGGTTGTGTGCCTGGACTATGCCCACACTGGTGCCTGGTGCCACATCCTCTG[G>A]CACAGAAAAAACATACTGTAGTTGCTCAAATATGGGTGGTGTGGGGGTTCCAGGCACAAT-3'
Protein context (NP_003728.1, residues 790-810): FEQLQYVFSV[Pro800Ser]EDVAPGTSVG

ClinVar aggregate classification (germline): Uncertain significance (1 of 4 stars; one submission).

Submission:

GeneDx
Classification: Uncertain significance. Last evaluated: 2024-06-30. Review status: criteria provided, single submitter. Criteria: GeneDx Variant Classification Process June 2021. Collection method: clinical testing. Allele origin: germline. Affected: yes.
Comment: Not observed at significant frequency in large population cohorts (gnomAD); In silico analysis indicates that this missense variant does not alter protein structure/function; Has not been previously published as pathogenic or benign to our knowledge